The following is an entry in ClinVar:

NM_002830.4(PTPN4):c.16C>T (p.Arg6Ter)

Gene: PTPN4 (protein tyrosine phosphatase non-receptor type 4; plus strand). Cytogenetic location: 2q14.2.
Variant type: single nucleotide variant.
Coding change: c.16C>T on transcript NM_002830.4 (MANE Select); coding-DNA position 16, C replaced by T.
Protein change: p.Arg6Ter; replaces arginine 6 with a stop codon.
Molecular consequence: nonsense.
Genome position (GRCh38, 1-based): chr2:119,809,869, C>T. VCF-style: chr2-119809869-C-T. GRCh37 (hg19) VCF-style: chr2-120567445-C-T.
Other names: short protein forms R6*.
Identifiers: ClinVar variation 4628610 (VCV004628610.1).

ClinVar aggregate classification (germline): Likely pathogenic (1 of 4 stars; one submission).

Conditions:
Inborn genetic diseases. Identifiers: MedGen C0950123, MeSH D030342.

gnomAD v4.1: 4 of 1,609,634 alleles (0.00025%); highest among the groups gnomAD compares: Non-Finnish European, 0.00034%; no homozygotes.

Submission:

Ambry Genetics
Classification: Likely pathogenic for Inborn genetic diseases. Last evaluated: 2025-10-17. Review status: criteria provided, single submitter. Criteria: Ambry Variant Classification Scheme 2023. Collection method: clinical testing. Allele origin: germline.
Comment: The c.16C>T (p.R6*) alteration, located in exon 2 (coding exon 1) of the PTPN4 gene, consists of a C to T substitution at nucleotide position 16. This changes the amino acid from an arginine (R) to a stop codon at amino acid position 6. The predicted stop codon occurs in the 5' end of the PTPN4 gene. Premature termination codons in the 5&rsquo; end of a gene have been reported to escape nonsense-mediated mRNA decay and/or lead to re-initiation (Rivas, 2015; Lindeboom, 2016; Rhee, 2017). Direct evidence for this alteration is unavailable; however, premature termination codons are typically deleterious in nature. This variant was not reported in population-based cohorts in the Genome Aggregation Database (gnomAD). Based on the available evidence, this alteration is classified as likely pathogenic.

Literature cited by the submitters: PubMed 25954003; PubMed 27618451; PubMed 28490743.